The following is an entry in ClinVar:

ClinVar aggregate classification (germline): Uncertain significance (1 of 4 stars; one submission).

Allele frequency attached by ClinVar (database versions not stated): TOPMed below 0.00001.

Submission:

Labcorp Genetics (formerly Invitae), Labcorp
Classification: Uncertain significance. Last evaluated: 2023-12-01. Review status: criteria provided, single submitter. Criteria: Invitae Variant Classification Sherloc (09022015). Collection method: clinical testing. Allele origin: germline.
Comment: This sequence change replaces asparagine, which is neutral and polar, with tyrosine, which is neutral and polar, at codon 1509 of the PLXNA2 protein (p.Asn1509Tyr). This variant is not present in population databases (gnomAD no frequency). This variant has not been reported in the literature in individuals affected with PLXNA2-related conditions. Advanced modeling of protein sequence and biophysical properties (such as structural, functional, and spatial information, amino acid conservation, physicochemical variation, residue mobility, and thermodynamic stability) performed at Invitae indicates that this missense variant is not expected to disrupt PLXNA2 protein function with a negative predictive value of 80%. In summary, the available evidence is currently insufficient to determine the role of this variant in disease. Therefore, it has been classified as a Variant of Uncertain Significance.

NM_025179.4(PLXNA2):c.4525A>T (p.Asn1509Tyr)

Gene: PLXNA2 (plexin A2; minus strand). Cytogenetic location: 1q32.2.
Variant type: single nucleotide variant.
Coding change: c.4525A>T on transcript NM_025179.4 (MANE Select); coding-DNA position 4525, A replaced by T.
Protein change: p.Asn1509Tyr; replaces asparagine 1509 with tyrosine.
Molecular consequence: missense variant.
Genome position (GRCh38, 1-based): chr1:208,038,960, T>A on the plus strand (A>T on the coding strand, the complement: PLXNA2 is on the minus strand). VCF-style: chr1-208038960-T-A. GRCh37 (hg19) VCF-style: chr1-208212305-T-A.
Other names: short protein forms N1509Y.
Identifiers: ClinVar variation 2808059 (VCV002808059.3), dbSNP rs1421893576, ClinGen allele CA344561779.
Genomic context (GRCh38, chr1:208,038,960, plus strand): 5'-TGACCTGTGTGATGGTGTCACAGTTTAACACCTTCACTGGGATCTCTGGACTGTTCTCGT[T>A]GTCAGGGTTGACGCAGTTCAGGATCTACAAGTAGGGGACAGAGGGTGAGCAGGACAGGAG-3'
Protein context (NP_079455.3, residues 1499-1519): TLILNCVNPD[Asn1509Tyr]ENSPEIPVKV